The following is an entry in ClinVar:

NM_004714.3(DYRK1B):c.741G>A (p.Leu247=)

Gene: DYRK1B (dual specificity tyrosine phosphorylation regulated kinase 1B; minus strand). Cytogenetic location: 19q13.2.
Variant type: single nucleotide variant.
Coding change: c.741G>A on transcript NM_004714.3 (MANE Select); coding-DNA position 741, G replaced by A.
Protein change: p.Leu247=; no amino-acid change (leucine 247 retained).
Molecular consequence: synonymous variant.
Genome position (GRCh38, 1-based): chr19:39,828,363, C>T on the plus strand (G>A on the coding strand, the complement: DYRK1B is on the minus strand). VCF-style: chr19-39828363-C-T. GRCh37 (hg19) VCF-style: chr19-40319003-C-T.
Other names: c.741G>A, p.Leu247= (NM_006483.3, NM_006484.3); c.741G>A (NM_004714.2).
Identifiers: ClinVar variation 4942265 (VCV004942265.2).

ClinVar aggregate classification (germline): Likely benign. Review status: criteria provided, multiple submitters, no conflicts (2 of 4 stars). 2 submissions from 2 submitters: Likely benign (2). Last evaluated 2025-10-08.

Conditions:
DYRK1B-related disorder. Also called: DYRK1B-related condition.

gnomAD v4.1: 9 of 1,614,074 alleles (0.00056%); highest among the groups gnomAD compares: East Asian, 0.02%; no homozygotes.

Submissions (2):

PreventionGenetics, part of Exact Sciences
Classification: Likely benign for DYRK1B-related condition. Last evaluated: 2025-10-08. Review status: criteria provided, single submitter. Criteria: ACMG Guidelines, 2015. Collection method: clinical testing. Allele origin: germline.
Comment: This variant is classified as likely benign based on ACMG/AMP sequence variant interpretation guidelines (Richards et al. 2015 PMID: 25741868, with internal and published modifications).

Blueprint Genetics
Classification: Likely benign. Last evaluated: 2020-10-06. Review status: criteria provided, single submitter. Criteria: ACMG Guidelines, 2015. Collection method: clinical testing. Allele origin: germline.